The following is an entry in ClinVar:

NM_001042492.3(NF1):c.5114G>A (p.Arg1705Lys)

Gene: NF1 (neurofibromin 1; plus strand). Cytogenetic location: 17q11.2.
Variant type: single nucleotide variant.
Coding change: c.5114G>A on transcript NM_001042492.3 (MANE Select); coding-DNA position 5114, G replaced by A.
Protein change: p.Arg1705Lys; replaces arginine 1705 with lysine.
Molecular consequence: missense variant.
Genome position (GRCh38, 1-based): chr17:31,326,098, G>A. VCF-style: chr17-31326098-G-A. GRCh37 (hg19) VCF-style: chr17-29653116-G-A.
Other names: c.5051G>A, p.Arg1684Lys (NM_000267.4); short protein forms R1684K, R1705K.
Identifiers: ClinVar variation 233555 (VCV000233555.14), dbSNP rs876660487, ClinGen allele CA10580338.

ClinVar aggregate classification (germline): Conflicting classifications of pathogenicity. Review status: criteria provided, conflicting classifications (1 of 4 stars). 4 submissions from 3 submitters: Uncertain significance (3); Benign (1). Last evaluated 2025-11-10.

Conditions:
Cardiovascular phenotype. Identifiers: MedGen CN230736.
Hereditary cancer-predisposing syndrome. Also called: Tumor predisposition; Hereditary Cancer Syndrome; Hereditary neoplastic syndrome; Neoplastic Syndromes, Hereditary. Identifiers: Orphanet 140162, MedGen C0027672, MeSH D009386, MONDO:0015356.
Neurofibromatosis, type 1 (NF1). Also called: VON RECKLINGHAUSEN DISEASE; NEUROFIBROMATOSIS, TYPE I, SOMATIC; Peripheral type neurofibromatosis; Neurofibromatosis, type I. Identifiers: Orphanet 636, MedGen C0027831, MONDO:0018975, OMIM 162200. Disease mechanism: loss of function.

Allele frequency attached by ClinVar (database versions not stated): gnomAD exomes below 0.00001.
gnomAD v4.1: 1 of 1,613,616 alleles (0.000062%); highest among the groups gnomAD compares: Middle Eastern, 0.016%; no homozygotes.

Submissions (4):

Labcorp Genetics (formerly Invitae), Labcorp
Classification: Benign for Neurofibromatosis, type 1. Last evaluated: 2025-11-10. Review status: criteria provided, single submitter. Criteria: Invitae Variant Classification Sherloc (09022015). Collection method: clinical testing. Allele origin: germline.

Ambry Genetics
Classification: Uncertain significance for Cardiovascular phenotype; Hereditary cancer-predisposing syndrome. Last evaluated: 2022-05-26. Review status: criteria provided, single submitter. Criteria: Ambry Variant Classification Scheme 2023. Collection method: clinical testing. Allele origin: germline.

Genome-Nilou Lab
Classification: Uncertain significance for Neurofibromatosis, type 1. Last evaluated: 2022-03-15. Review status: criteria provided, single submitter. Criteria: ACMG Guidelines, 2015. Collection method: clinical testing. Allele origin: germline. Affected: no.

Ambry Genetics
Classification: Uncertain significance for Hereditary cancer-predisposing syndrome. Last evaluated: 2015-08-24. Review status: criteria provided, single submitter. Criteria: Ambry Autosomal Dominant and X-Linked criteria (10/2015). Collection method: clinical testing. Allele origin: germline. Observed: 1 variant allele.
Comment: The p.R1705K variant (also known as c.5114G>A), located in coding exon 37 of the NF1 gene, results from a G to A substitution at nucleotide position 5114. The arginine at codon 1705 is replaced by lysine, an amino acid with highly similar properties. This variant was not reported in population based cohorts in the following databases: Database of Single Nucleotide Polymorphisms (dbSNP), NHLBI Exome Sequencing Project (ESP), and 1000 Genomes Project. In the ESP, this variant was not observed in 6503 samples (13006 alleles) with coverage at this position. To date, this alteration has been detected with an allele frequency of approximately 0.002% (greater than 55000alleles tested) in our clinical cohort.This amino acid position is highly conserved in available vertebrate species. In addition, this alteration is predicted to be tolerated by in silico analysis.Since supporting evidence is limited at this time, the clinical significance of p.R1705Kremains unclear.